The following is an entry in ClinVar:

NM_000343.4(SLC5A1):c.593C>T (p.Ala198Val)

Gene: SLC5A1 (solute carrier family 5 member 1; plus strand). Cytogenetic location: 22q12.3.
Variant type: single nucleotide variant.
Coding change: c.593C>T on transcript NM_000343.4 (MANE Select); coding-DNA position 593, C replaced by T.
Protein change: p.Ala198Val; replaces alanine 198 with valine.
Molecular consequence: missense variant.
Genome position (GRCh38, 1-based): chr22:32,083,083, C>T. VCF-style: chr22-32083083-C-T. GRCh37 (hg19) VCF-style: chr22-32479070-C-T.
Other names: c.212C>T, p.Ala71Val (NM_001256314.2); short protein forms A198V, A71V.
Identifiers: ClinVar variation 2079810 (VCV002079810.4), dbSNP rs142137533, ClinGen allele CA10198014.

ClinVar aggregate classification (germline): Uncertain significance. Review status: criteria provided, multiple submitters, no conflicts (2 of 4 stars). 2 submissions from 2 submitters: Uncertain significance (2). Last evaluated 2025-06-12.

Conditions:
Congenital glucose-galactose malabsorption (GGM). Also called: DIARRHEA 16; MONOSACCHARIDE MALABSORPTION. Identifiers: Orphanet 35710, MedGen C0268186, MONDO:0011731, OMIM 606824.

Allele frequency attached by ClinVar (database versions not stated): ExAC 0.00003; gnomAD 0.00004; TOPMed 0.00005; ESP Exome Variant Server 0.00008.
gnomAD v4.1: 36 of 1,613,908 alleles (0.0022%); highest among the groups gnomAD compares: Middle Eastern, 0.033%; no homozygotes.

Submissions (2):

Labcorp Genetics (formerly Invitae), Labcorp
Classification: Uncertain significance for Congenital glucose-galactose malabsorption. Last evaluated: 2025-06-12. Review status: criteria provided, single submitter. Criteria: Invitae Variant Classification Sherloc (09022015). Collection method: clinical testing. Allele origin: germline.
Comment: This sequence change replaces alanine, which is neutral and non-polar, with valine, which is neutral and non-polar, at codon 198 of the SLC5A1 protein (p.Ala198Val). This variant is present in population databases (rs142137533, gnomAD 0.01%). This variant has not been reported in the literature in individuals affected with SLC5A1-related conditions. ClinVar contains an entry for this variant (Variation ID: 2079810). Invitae Evidence Modeling of protein sequence and biophysical properties (such as structural, functional, and spatial information, amino acid conservation, physicochemical variation, residue mobility, and thermodynamic stability) has been performed for this missense variant. However, the output from this modeling did not meet the statistical confidence thresholds required to predict the impact of this variant on SLC5A1 protein function. In summary, the available evidence is currently insufficient to determine the role of this variant in disease. Therefore, it has been classified as a Variant of Uncertain Significance.

Fulgent Genetics
Classification: Uncertain significance for Congenital glucose-galactose malabsorption. Last evaluated: 2024-01-05. Review status: criteria provided, single submitter. Criteria: ACMG Guidelines, 2015. Collection method: clinical testing. Allele origin: germline.